The following is an entry in ClinVar:

ClinVar aggregate classification (germline): Likely benign (1 of 4 stars; one submission).

Conditions:
Coffin-Siris syndrome 11. Identifiers: MedGen C5241442, MONDO:0032912, OMIM 618779.

Allele frequency attached by ClinVar (database versions not stated): TOPMed 0.00001.
gnomAD v4.1: 7 of 1,576,310 alleles (0.00044%); highest among the groups gnomAD compares: Non-Finnish European, 0.0006%; no homozygotes.

Submission:

Victorian Clinical Genetics Services, Murdoch Childrens Research Institute
Classification: Likely benign for Coffin-Siris syndrome 11. Last evaluated: 2022-03-31. Review status: criteria provided, single submitter. Criteria: ACMG Guidelines, 2015. Collection method: clinical testing. Allele origin: germline. Inheritance: Autosomal dominant inheritance.
Comment: Based on the classification scheme VCGS_Germline_v1.3.4, this variant is classified as Likely benign. Following criteria are met: 0105 - The mechanism of disease for this gene is not clearly established. (I) 0107 - This gene is associated with autosomal dominant disease. (I) 0200 - Variant is predicted to result in a missense amino acid change from arginine to glutamine. (I) 0251 - This variant is heterozygous. (I) 0301 - Variant is absent from gnomAD (both v2 and v3). (SP) 0502 - Missense variant with conflicting in silico predictions and uninformative conservation. (I) 0604 - Variant is not located in an established domain, motif, hotspot or informative constraint region. (I) 0705 - No comparable missense variants have previous evidence for pathogenicity. (I) 0807 - This variant has no previous evidence of pathogenicity. (I) 0904 - Non-segregation of this variant with the phenotype under investigation has been clearly demonstrated. (SB) 1007 - No published functional evidence has been identified for this variant. (I) Legend: (SP) - Supporting pathogenic, (I) - Information, (SB) - Supporting benign

NM_003076.5(SMARCD1):c.203G>A (p.Arg68Gln)

Gene: SMARCD1 (SWI/SNF related BAF chromatin remodeling complex subunit D1; plus strand). Cytogenetic location: 12q13.12.
Variant type: single nucleotide variant.
Coding change: c.203G>A on transcript NM_003076.5 (MANE Select); coding-DNA position 203, G replaced by A.
Protein change: p.Arg68Gln; replaces arginine 68 with glutamine.
Molecular consequence: missense variant.
Genome position (GRCh38, 1-based): chr12:50,086,186, G>A. VCF-style: chr12-50086186-G-A. GRCh37 (hg19) VCF-style: chr12-50479969-G-A.
Other names: c.203G>A, p.Arg68Gln (NM_139071.3); short protein forms R68Q.
Identifiers: ClinVar variation 1805271 (VCV001805271.1), dbSNP rs764685953, ClinGen allele CA384786386.